The following is an entry in ClinVar:

NM_004281.4(BAG3):c.677A>G (p.His226Arg)

Gene: BAG3 (BAG cochaperone 3; plus strand). Cytogenetic location: 10q26.11.
Variant type: single nucleotide variant.
Coding change: c.677A>G on transcript NM_004281.4 (MANE Select); coding-DNA position 677, A replaced by G.
Protein change: p.His226Arg; replaces histidine 226 with arginine.
Molecular consequence: missense variant.
Genome position (GRCh38, 1-based): chr10:119,672,424, A>G. VCF-style: chr10-119672424-A-G. GRCh37 (hg19) VCF-style: chr10-121431936-A-G.
Other names: short protein forms H226R.
Identifiers: ClinVar variation 452052 (VCV000452052.5), dbSNP rs1554877252, ClinGen allele CA378295567.

ClinVar aggregate classification (germline): Uncertain significance. Review status: criteria provided, multiple submitters, no conflicts (2 of 4 stars). 2 submissions from 2 submitters: Uncertain significance (2). Last evaluated 2024-01-06.

Conditions:
Dilated cardiomyopathy 1HH (CMD1HH). Identifiers: Orphanet 154, MedGen C3151293, MONDO:0013479, OMIM 613881.
Myofibrillar myopathy 6. Identifiers: Orphanet 199340, MedGen C2751831, MONDO:0013061, OMIM 612954.

Submissions (2):

Labcorp Genetics (formerly Invitae), Labcorp
Classification: Uncertain significance for Dilated cardiomyopathy 1HH; Myofibrillar myopathy 6. Last evaluated: 2024-01-06. Review status: criteria provided, single submitter. Criteria: Invitae Variant Classification Sherloc (09022015). Collection method: clinical testing. Allele origin: germline.
Comment: This sequence change replaces histidine, which is basic and polar, with arginine, which is basic and polar, at codon 226 of the BAG3 protein (p.His226Arg). This variant is not present in population databases (gnomAD no frequency). This variant has not been reported in the literature in individuals affected with BAG3-related conditions. ClinVar contains an entry for this variant (Variation ID: 452052). Advanced modeling of protein sequence and biophysical properties (such as structural, functional, and spatial information, amino acid conservation, physicochemical variation, residue mobility, and thermodynamic stability) has been performed at Invitae for this missense variant, however the output from this modeling did not meet the statistical confidence thresholds required to predict the impact of this variant on BAG3 protein function. In summary, the available evidence is currently insufficient to determine the role of this variant in disease. Therefore, it has been classified as a Variant of Uncertain Significance.

GeneDx
Classification: Uncertain significance. Last evaluated: 2017-09-15. Review status: criteria provided, single submitter. Criteria: GeneDx Variant Classification (06012015). Collection method: clinical testing. Allele origin: germline. Affected: yes.
Comment: A variant of uncertain significance has been identified in the BAG3 gene. The H226R variant has not been published as pathogenic or been reported as benign to our knowledge. This variant is not observed in large population cohorts (Lek et al., 2016). In silico analysis predicts this variant is probably damaging to the protein structure/function. However, the H226R variant is a conservative amino acid substitution, which is not likely to impact secondary protein structure as these residues share similar properties. In addition, this substitution occurs at a position where amino acids with similar properties to histidine (H) are tolerated across species.